The following is an entry in ClinVar:

ClinVar aggregate classification (germline): Pathogenic (1 of 4 stars; one submission).

Conditions:
COG5-congenital disorder of glycosylation. Also called: COG5-CDG; CDG IIi; CONGENITAL DISORDER OF GLYCOSYLATION, TYPE IIi. Identifiers: Orphanet 263487, MedGen C3150876, MONDO:0013325, OMIM 613612.

Submission:

Labcorp Genetics (formerly Invitae), Labcorp
Classification: Pathogenic for COG5-congenital disorder of glycosylation. Last evaluated: 2021-07-06. Review status: criteria provided, single submitter. Criteria: Invitae Variant Classification Sherloc (09022015). Collection method: clinical testing. Allele origin: germline.
Comment: For these reasons, this variant has been classified as Pathogenic. This variant has not been reported in the literature in individuals with COG5-related conditions. This variant is not present in population databases (ExAC no frequency). This sequence change creates a premature translational stop signal (p.Gln352*) in the COG5 gene. It is expected to result in an absent or disrupted protein product. Loss-of-function variants in COG5 are known to be pathogenic (PMID: 23228021).

Literature cited by the submitters: PubMed 23228021.

NM_006348.5(COG5):c.961C>T (p.Gln321Ter)

Gene: COG5 (component of oligomeric golgi complex 5; minus strand). Cytogenetic location: 7q22.3.
Variant type: single nucleotide variant.
Coding change: c.961C>T on transcript NM_006348.5 (MANE Select); coding-DNA position 961, C replaced by T.
Protein change: p.Gln321Ter; replaces glutamine 321 with a stop codon.
Molecular consequence: nonsense. On other transcripts: intron variant (1).
Genome position (GRCh38, 1-based): chr7:107,362,098, G>A on the plus strand (C>T on the coding strand, the complement: COG5 is on the minus strand). VCF-style: chr7-107362098-G-A. GRCh37 (hg19) VCF-style: chr7-107002543-G-A.
Other names: c.961C>T, p.Gln321Ter (NM_001161520.2, NM_001379511.1, NM_001379512.1 and 3 more transcripts); c.247C>T, p.Gln83Ter (NM_001379516.1); c.539-63752C>T (NM_001379515.1); short protein forms Q321*, Q83*.
Identifiers: ClinVar variation 1399862 (VCV001399862.6), dbSNP rs370028534, ClinGen allele CA368939996.